The following is an entry in ClinVar:

NM_018896.5(CACNA1G):c.3581C>T (p.Ser1194Phe)

Gene: CACNA1G (calcium voltage-gated channel subunit alpha1 G; plus strand). Cytogenetic location: 17q21.33.
Variant type: single nucleotide variant.
Coding change: c.3581C>T on transcript NM_018896.5 (MANE Select); coding-DNA position 3581, C replaced by T.
Protein change: p.Ser1194Phe; replaces serine 1194 with phenylalanine.
Molecular consequence: missense variant. On other transcripts: non-coding transcript variant (5).
Genome position (GRCh38, 1-based): chr17:50,599,750, C>T. VCF-style: chr17-50599750-C-T. GRCh37 (hg19) VCF-style: chr17-48677111-C-T.
Other names: c.3581C>T, p.Ser1194Phe (NM_001256324.2, NM_001256325.2, NM_001256326.2 and 16 more transcripts); c.3512C>T, p.Ser1171Phe (NM_001256332.2, NM_198376.3, NM_198379.3 and 5 more transcripts); short protein forms S1171F, S1194F.
Identifiers: ClinVar variation 1303524 (VCV001303524.2), dbSNP rs778065598, ClinGen allele CA400253815.

ClinVar aggregate classification (germline): Uncertain significance (1 of 4 stars; one submission).

Submission:

GeneDx
Classification: Uncertain significance. Last evaluated: 2019-03-25. Review status: criteria provided, single submitter. Criteria: GeneDx Variant Classification Process June 2021. Collection method: clinical testing. Allele origin: germline. Affected: yes.
Comment: Not observed in large population cohorts (Lek et al., 2016); In silico analysis, which includes protein predictors and evolutionary conservation, supports a deleterious effect; Has not been previously published as pathogenic or benign to our knowledge